The following is an entry in ClinVar:

ClinVar aggregate classification (germline): Likely benign (1 of 4 stars; one submission).

Allele frequency attached by ClinVar (database versions not stated): gnomAD exomes below 0.00001; gnomAD 0.00001.
gnomAD v4.1: 5 of 1,613,896 alleles (0.00031%); highest among the groups gnomAD compares: Non-Finnish European, 0.00042%; no homozygotes.

Submission:

CeGaT Center for Human Genetics Tuebingen
Classification: Likely benign. Last evaluated: 2023-02-01. Review status: criteria provided, single submitter. Criteria: CeGaT Center For Human Genetics Tuebingen Variant Classification Criteria Version 2. Collection method: clinical testing. Allele origin: germline. Affected: yes. Observed: 1 variant allele.
Comment: CHD1: BP4, BP7

NM_001270.4(CHD1):c.732G>A (p.Glu244=)

Gene: CHD1 (chromodomain helicase DNA binding protein 1; minus strand). Cytogenetic location: 5q21.1.
Variant type: single nucleotide variant.
Coding change: c.732G>A on transcript NM_001270.4 (MANE Select); coding-DNA position 732, G replaced by A.
Protein change: p.Glu244=; no amino-acid change (glutamic acid 244 retained).
Molecular consequence: synonymous variant. On other transcripts: non-coding transcript variant (2).
Genome position (GRCh38, 1-based): chr5:98,900,938, C>T on the plus strand (G>A on the coding strand, the complement: CHD1 is on the minus strand). VCF-style: chr5-98900938-C-T. GRCh37 (hg19) VCF-style: chr5-98236642-C-T.
Other names: c.732G>A, p.Glu244= (NM_001364113.3, NM_001376194.2).
Identifiers: ClinVar variation 2498976 (VCV002498976.28), dbSNP rs1450577674, ClinGen allele CA445721641.
Genomic context (GRCh38, chr5:98,900,938, plus strand): 5'-AGGAACATCCTCTCCACAGACTTCCAGTAGGTCATCAGAATCTGTTTTCATTTCTTCATC[C>T]TCCTTATAGCTAACATTAACAGTTGCTTGGCGACGAGAACTTCTTTTATCATTATCATAA-3'
Protein context (NP_001261.2, residues 234-254): RQATVNVSYK[Glu244=]DEEMKTDSDD